The following is an entry in ClinVar:

NM_002693.3(POLG):c.3470A>G (p.Asn1157Ser)

Gene: POLG (DNA polymerase gamma, catalytic subunit; minus strand). Cytogenetic location: 15q26.1.
Variant type: single nucleotide variant.
Coding change: c.3470A>G on transcript NM_002693.3 (MANE Select); coding-DNA position 3470, A replaced by G.
Protein change: p.Asn1157Ser; replaces asparagine 1157 with serine.
Molecular consequence: missense variant.
Genome position (GRCh38, 1-based): chr15:89,318,553, T>C on the plus strand (A>G on the coding strand, the complement: POLG is on the minus strand). VCF-style: chr15-89318553-T-C. GRCh37 (hg19) VCF-style: chr15-89861784-T-C.
Other names: p.N1157S:AAC>AGC; c.3470A>G, p.Asn1157Ser (NM_001126131.2); short protein forms N1157S.
Identifiers: ClinVar variation 206565 (VCV000206565.9), dbSNP rs548076633, ClinGen allele CA316774.

ClinVar aggregate classification (germline): Conflicting classifications of pathogenicity. Review status: criteria provided, conflicting classifications (1 of 4 stars). 4 submissions from 4 submitters: Likely pathogenic (2); Uncertain significance (2). Last evaluated 2026-09-17.

Conditions:
POLG-related disorder. Also called: POLG-related condition; POLG-Related Disorders; POLG-Related Spectrum Disorders. Identifiers: MedGen C4763519.
Progressive sclerosing poliodystrophy (MTDPS4A). Also called: Mitochondrial DNA depletion syndrome 4A (Alpers type); Alpers Syndrome; NEURONAL DEGENERATION OF CHILDHOOD WITH LIVER DISEASE, PROGRESSIVE; ALPERS PROGRESSIVE INFANTILE POLIODYSTROPHY; ALPERS DIFFUSE DEGENERATION OF CEREBRAL GRAY MATTER WITH HEPATIC CIRRHOSIS; Alpers-Huttenlocher Syndrome. Identifiers: Orphanet 726, MedGen C0205710, MONDO:0008758, OMIM 203700.

Allele frequency attached by ClinVar (database versions not stated): ExAC 0.00002; gnomAD exomes 0.00002; 1000 Genomes Project 30x 0.00016; 1000 Genomes Project 0.00020.
gnomAD v4.1: 20 of 1,613,224 alleles (0.0012%); highest among the groups gnomAD compares: South Asian, 0.013%; no homozygotes.

Submissions (4):

GeneDx
Classification: Likely pathogenic. Last evaluated: 2026-09-17. Review status: criteria provided, single submitter. Criteria: GeneDx Variant Classification Process June 2021. Collection method: clinical testing. Allele origin: germline.
Comment: Reported in a patient with clinical suspicion of Charcot-Marie-Tooth disease (PMID: 38871447); Reported in a patient with tremors, dystonia, and ptosis (PMID: 38219528); In silico analysis supports that this missense variant has a deleterious effect on protein structure/function; Not observed at significant frequency in large population cohorts (gnomAD); This variant is associated with the following publications: (PMID: 36113475, 38167091, 38871447, 21880868, 38219528)

Myriad Genetics, Inc.
Classification: Uncertain significance for POLG-related disorder. Last evaluated: 2026-01-22. Review status: criteria provided, single submitter. Criteria: Myriad Autosomal Dominant, Autosomal Recessive and X-Linked Classification Criteria (2023). Collection method: clinical testing. Allele origin: unknown.
Comment: NM_002693.2(POLG):c.3470A>G(N1157S) is a missense variant classified as a variant of uncertain significance in the context of POLG-related disorders. N1157S has been observed in a case with relevant disease (PMID: 21880868). Relevant functional assessments of this variant are not available in the literature. N1157S has been observed in referenced population frequency databases. In summary, there is insufficient evidence to classify NM_002693.2(POLG):c.3470A>G(N1157S) as pathogenic or benign. Please note: this variant was assessed in the context of healthy population screening.

Labcorp Genetics (formerly Invitae), Labcorp
Classification: Uncertain significance for Progressive sclerosing poliodystrophy. Last evaluated: 2025-07-28. Review status: criteria provided, single submitter. Criteria: Invitae Variant Classification Sherloc (09022015). Collection method: clinical testing. Allele origin: germline.
Comment: This sequence change replaces asparagine, which is neutral and polar, with serine, which is neutral and polar, at codon 1157 of the POLG protein (p.Asn1157Ser). This variant is present in population databases (rs548076633, gnomAD 0.01%). This missense change has been observed in individual(s) with clinical features of autosomal recessive POLG-related conditions (PMID: 21880868). ClinVar contains an entry for this variant (Variation ID: 206565). Invitae Evidence Modeling of protein sequence and biophysical properties (such as structural, functional, and spatial information, amino acid conservation, physicochemical variation, residue mobility, and thermodynamic stability) indicates that this missense variant is expected to disrupt POLG protein function with a positive predictive value of 95%. In summary, the available evidence is currently insufficient to determine the role of this variant in disease. Therefore, it has been classified as a Variant of Uncertain Significance.

Wong Mito Lab, Molecular and Human Genetics, Baylor College of Medicine
Classification: Likely pathogenic for Progressive sclerosing poliodystrophy. Last evaluated: 2018-10-01. Review status: criteria provided, single submitter. Criteria: ACMG Guidelines, 2015. Collection method: clinical testing. Allele origin: germline.
Comment: The NM_002693.2:c.3470A>G (NP_002684.1:p.Asn1157Ser) [GRCH38: NC_000015.10:g.89318553T>C] variant in POLG gene is interpretated to be a Likely Pathogenic based on ACMG guidelines (PMID: 25741868). This variant meets the following evidence codes reported in the ACMG-guideline. PM2:This variant is absent in key population databases. PM3:Detected in trans with a pathogenic variant for Mitochondrial DNA depletion syndrome 4A (Alpers type) which is a recessive disorder. PP2:This is a missense variant in POLG with a low rate of benign and high rate of pathogenic missense variations. PP4:Patient's phenotype or family history is highly specific for POLG. Based on the evidence criteria codes applied, the variant is suggested to be Likely Pathogenic.

Literature cited by the submitters: PubMed 21880868 (cited by Myriad Genetics, Inc. and Labcorp Genetics (formerly Invitae), Labcorp).